The following is an entry in ClinVar:

NM_001375905.1(SGMS2):c.194C>G (p.Pro65Arg)

Genes: CYP2U1-AS1 (CYP2U1 and SGMS2 antisense RNA 1; minus strand), SGMS2 (sphingomyelin synthase 2; plus strand). Cytogenetic location: 4q25.
Variant type: single nucleotide variant.
Coding change: c.194C>G on transcript NM_001375905.1 (MANE Select); coding-DNA position 194, C replaced by G.
Protein change: p.Pro65Arg; replaces proline 65 with arginine.
Molecular consequence: missense variant. On other transcripts: intron variant (1).
Genome position (GRCh38, 1-based): chr4:107,895,747, C>G. VCF-style: chr4-107895747-C-G. GRCh37 (hg19) VCF-style: chr4-108816903-C-G.
Other names: c.194C>G, p.Pro65Arg (NM_001136257.2, NM_001136258.2, NM_001375906.1 and 4 more transcripts); c.-64-3828C>G (NM_001375911.1); short protein forms P65R.
Identifiers: ClinVar variation 3674160 (VCV003674160.2).

ClinVar aggregate classification (germline): Uncertain significance (1 of 4 stars; one submission).

Submission:

Labcorp Genetics (formerly Invitae), Labcorp
Classification: Uncertain significance. Last evaluated: 2024-11-16. Review status: criteria provided, single submitter. Criteria: Invitae Variant Classification Sherloc (09022015). Collection method: clinical testing. Allele origin: germline.
Comment: This sequence change replaces proline, which is neutral and non-polar, with arginine, which is basic and polar, at codon 65 of the SGMS2 protein (p.Pro65Arg). This variant is present in population databases (rs772240145, gnomAD 0.007%). This variant has not been reported in the literature in individuals affected with SGMS2-related conditions. Invitae Evidence Modeling of protein sequence and biophysical properties (such as structural, functional, and spatial information, amino acid conservation, physicochemical variation, residue mobility, and thermodynamic stability) indicates that this missense variant is not expected to disrupt SGMS2 protein function with a negative predictive value of 80%. In summary, the available evidence is currently insufficient to determine the role of this variant in disease. Therefore, it has been classified as a Variant of Uncertain Significance.